The following is an entry in ClinVar:

ClinVar aggregate classification (germline): Likely pathogenic (1 of 4 stars; one submission).

Allele frequency attached by ClinVar (database versions not stated): ExAC 0.00001; gnomAD 0.00001; TOPMed 0.00002; ESP Exome Variant Server 0.00008.
gnomAD v4.1: 1 of 1,613,986 alleles (0.000062%); highest among the groups gnomAD compares: Non-Finnish European, 0.000085%; no homozygotes.

Submission:

Labcorp Genetics (formerly Invitae), Labcorp
Classification: Likely pathogenic. Last evaluated: 2024-01-29. Review status: criteria provided, single submitter. Criteria: Invitae Variant Classification Sherloc (09022015). Collection method: clinical testing. Allele origin: germline.
Comment: This sequence change replaces histidine, which is basic and polar, with tyrosine, which is neutral and polar, at codon 270 of the KCNJ1 protein (p.His270Tyr). This variant is not present in population databases (gnomAD no frequency). This missense change has been observed in individuals with Bartter syndrome (PMID: 20219833, 35628451). This variant is also known as p.His270Thr; H251Y in ROMK. An algorithm developed to predict the effect of missense changes on protein structure and function (PolyPhen-2) suggests that this variant is likely to be disruptive. Experimental studies have shown that this missense change affects KCNJ1 function (PMID: 20926634, 28630040). In summary, the currently available evidence indicates that the variant is pathogenic, but additional data are needed to prove that conclusively. Therefore, this variant has been classified as Likely Pathogenic.

Literature cited by the submitters: PubMed 20219833; PubMed 35628451; PubMed 20926634; PubMed 28630040.

NM_153766.3(KCNJ1):c.751C>T (p.His251Tyr)

Gene: KCNJ1 (potassium inwardly rectifying channel subfamily J member 1; minus strand). Cytogenetic location: 11q24.3.
Variant type: single nucleotide variant.
Coding change: c.751C>T on transcript NM_153766.3 (MANE Select); coding-DNA position 751, C replaced by T.
Protein change: p.His251Tyr; replaces histidine 251 with tyrosine.
Molecular consequence: missense variant.
Genome position (GRCh38, 1-based): chr11:128,839,493, G>A on the plus strand (C>T on the coding strand, the complement: KCNJ1 is on the minus strand). VCF-style: chr11-128839493-G-A. GRCh37 (hg19) VCF-style: chr11-128709388-G-A.
Other names: c.808C>T, p.His270Tyr (NM_000220.6); c.751C>T, p.His251Tyr (NM_153764.3, NM_153767.4); c.802C>T, p.His268Tyr (NM_153765.3); short protein forms H251Y, H268Y, H270Y.
Identifiers: ClinVar variation 2735786 (VCV002735786.3), dbSNP rs372748052, ClinGen allele CA6357460.
Genomic context (GRCh38, chr11:128,839,493, plus strand): 5'-CCTGCTGGAGAAGGGTCTCCGCTGCCATGTGGAAGAAAGGGCTGTTGTGATCAATGACAT[G>A]GTAAATTGTCAATGGGGAGATGAAGAATAAATTTTCATTCCCAGCGTCAACTACAAAGTT-3'
Protein context (NP_722450.1, residues 241-261): LFFISPLTIY[His251Tyr]VIDHNSPFFH